The following is an entry in ClinVar:

NM_020778.5(ALPK3):c.2678G>C (p.Ser893Thr)

Gene: ALPK3 (alpha kinase 3; plus strand). Cytogenetic location: 15q25.3.
Variant type: single nucleotide variant.
Coding change: c.2678G>C on transcript NM_020778.5 (MANE Select); coding-DNA position 2678, G replaced by C.
Protein change: p.Ser893Thr; replaces serine 893 with threonine.
Molecular consequence: missense variant.
Genome position (GRCh38, 1-based): chr15:84,857,416, G>C. VCF-style: chr15-84857416-G-C. GRCh37 (hg19) VCF-style: chr15-85400647-G-C.
Other names: short protein forms S893T.
Identifiers: ClinVar variation 2696655 (VCV002696655.3), dbSNP rs757510260, ClinGen allele CA393358001.

ClinVar aggregate classification (germline): Uncertain significance (1 of 4 stars; one submission).

Allele frequency attached by ClinVar (database versions not stated): TOPMed below 0.00001; gnomAD 0.00001.
gnomAD v4.1: 9 of 1,613,946 alleles (0.00056%); highest among the groups gnomAD compares: Non-Finnish European, 0.00076%; no homozygotes.

Submission:

Labcorp Genetics (formerly Invitae), Labcorp
Classification: Uncertain significance. Last evaluated: 2025-11-16. Review status: criteria provided, single submitter. Criteria: Invitae Variant Classification Sherloc (09022015). Collection method: clinical testing. Allele origin: germline.
Comment: This sequence change replaces serine, which is neutral and polar, with threonine, which is neutral and polar, at codon 1095 of the ALPK3 protein (p.Ser1095Thr). This variant is not present in population databases (gnomAD no frequency). This variant has not been reported in the literature in individuals affected with ALPK3-related conditions. ClinVar contains an entry for this variant (Variation ID: 2696655). Invitae Evidence Modeling of protein sequence and biophysical properties (such as structural, functional, and spatial information, amino acid conservation, physicochemical variation, residue mobility, and thermodynamic stability) indicates that this missense variant is not expected to disrupt ALPK3 protein function with a negative predictive value of 80%. In summary, the available evidence is currently insufficient to determine the role of this variant in disease. Therefore, it has been classified as a Variant of Uncertain Significance.